The following is an entry in ClinVar:

ClinVar aggregate classification (germline): Pathogenic. Review status: criteria provided, multiple submitters, no conflicts (2 of 4 stars). 3 submissions from 3 submitters: Pathogenic (3). Last evaluated 2024-11-01.

Conditions:
Hereditary cancer-predisposing syndrome. Also called: Hereditary Cancer Syndrome; Tumor predisposition; Neoplastic Syndromes, Hereditary; Hereditary neoplastic syndrome. Identifiers: Orphanet 140162, MedGen C0027672, MeSH D009386, MONDO:0015356.
Familial cancer of breast. Also called: hereditary breast carcinoma; BREAST CANCER, FAMILIAL; Hereditary breast cancer. Identifiers: Orphanet 227535, MedGen C0346153, MONDO:0016419, OMIM 114480. Disease mechanism: loss of function.
Ataxia-telangiectasia syndrome (AT). Also called: ATAXIA-TELANGIECTASIA, COMPLEMENTATION GROUP A; ATAXIA-TELANGIECTASIA, FRESNO VARIANT; Ataxia-telangiectasia; Ataxia-telangiectasia, complementation group E; Cerebello-oculocutaneous telangiectasia; Immunodeficiency with ataxia telangiectasia. Identifiers: Orphanet 100, MedGen C0004135, MONDO:0008840, OMIM 208900.

Submissions (3):

Ambry Genetics
Classification: Pathogenic for Hereditary cancer-predisposing syndrome. Last evaluated: 2024-11-01. Review status: criteria provided, single submitter. Criteria: Ambry Variant Classification Scheme 2023. Collection method: clinical testing. Allele origin: germline.
Comment: The c.5765delC pathogenic mutation, located in coding exon 38 of the ATM gene, results from a deletion of one nucleotide at nucleotide position 5765, causing a translational frameshift with a predicted alternate stop codon (p.P1922Lfs*15). This variant is considered to be rare based on population cohorts in the Genome Aggregation Database (gnomAD). This alteration is expected to result in loss of function by premature protein truncation or nonsense-mediated mRNA decay. As such, this alteration is interpreted as a disease-causing mutation.

Labcorp Genetics (formerly Invitae), Labcorp
Classification: Pathogenic for Ataxia-telangiectasia syndrome. Last evaluated: 2024-04-24. Review status: criteria provided, single submitter. Criteria: Invitae Variant Classification Sherloc (09022015). Collection method: clinical testing. Allele origin: germline.
Comment: This sequence change creates a premature translational stop signal (p.Pro1922Leufs*15) in the ATM gene. It is expected to result in an absent or disrupted protein product. Loss-of-function variants in ATM are known to be pathogenic (PMID: 23807571, 25614872). This variant is not present in population databases (gnomAD no frequency). This variant has not been reported in the literature in individuals affected with ATM-related conditions. ClinVar contains an entry for this variant (Variation ID: 186262). For these reasons, this variant has been classified as Pathogenic.

Myriad Genetics, Inc.
Classification: Pathogenic for Familial cancer of breast. Last evaluated: 2024-01-26. Review status: criteria provided, single submitter. Criteria: Myriad Autosomal Dominant, Autosomal Recessive and X-Linked Classification Criteria (2023). Collection method: clinical testing. Allele origin: unknown.
Comment: This variant is considered pathogenic. This variant creates a frameshift predicted to result in premature protein truncation.

Literature cited by the submitters: PubMed 23807571 (cited by Labcorp Genetics (formerly Invitae), Labcorp); PubMed 25614872 (cited by Labcorp Genetics (formerly Invitae), Labcorp).

NM_000051.4(ATM):c.5765del (p.Pro1922fs)

Genes: ATM (ATM serine/threonine kinase; plus strand), C11orf65 (chromosome 11 open reading frame 65; minus strand). Cytogenetic location: 11q22.3.
Variant type: Deletion.
Coding change: c.5765del on transcript NM_000051.4 (MANE Select); coding-DNA position 5765, one base deleted (C; older notation c.5765delC).
Protein change: p.Pro1922fs; shifts the reading frame from proline 1922.
Molecular consequence: frameshift variant. On other transcripts: intron variant (2).
Genome position (GRCh38, 1-based): chr11:108,310,162, C deleted; the last of 2 consecutive C bases (chr11:108,310,161-108,310,162); deleting either gives the same sequence. VCF-style (leftmost placement, unchanged base first): chr11-108310160-AC-A. GRCh37 (hg19) VCF-style: chr11-108180887-AC-A.
Other names: c.5765del, p.Pro1922fs (NM_001351834.2); c.641-1090del (NM_001330368.2); c.*39-1090del (NM_001351110.2); short protein forms P1922fs.
Identifiers: ClinVar variation 186262 (VCV000186262.12), dbSNP rs786202814, ClinGen allele CA194287.